The following is an entry in ClinVar:

ClinVar aggregate classification (germline): Pathogenic. Review status: practice guideline (4 of 4 stars). 42 submissions from 39 submitters: Pathogenic (1). 41 of the submissions do not count toward it. Last evaluated 2004-03-03.

Conditions:
Cystic fibrosis diagnostic test.
CFTR-related disorder (CFTR-RD). Also called: CFTR-related disorders; CFTR-related condition. Identifiers: MedGen C5924204, MONDO:7770004.
Congenital bilateral aplasia of vas deferens from CFTR mutation (CBAVD). Identifiers: Orphanet 48, MedGen C0403814, MONDO:0010178, OMIM 277180. Disease mechanism: loss of function.
Cystic fibrosis (CF). Also called: MUCOVISCIDOSIS. Identifiers: Orphanet 586, MedGen C0010674, MONDO:0009061, OMIM 219700. Disease mechanism: loss of function.
Bronchiectasis with or without elevated sweat chloride 1 (BESC1). Also called: Cystic Fibrosis-Like Syndrome. Identifiers: Orphanet 60033, MedGen C2749757, MONDO:0008887, OMIM 211400.
Hereditary pancreatitis (PCTT). Also called: PRSS1-Related Hereditary Pancreatitis; Hereditary chronic pancreatitis. Identifiers: Orphanet 676, MedGen C0238339, MONDO:0008185, OMIM 167800.

Allele frequency attached by ClinVar (database versions not stated): gnomAD 0.00019; TOPMed 0.00025.
gnomAD v4.1: 421 of 1,613,376 alleles (0.026%); highest among the groups gnomAD compares: Middle Eastern, 0.016%; 1 homozygote.

Submissions 1 to 12 of 42:

American College of Medical Genetics and Genomics  (ACMG)
Classification: Pathogenic for Cystic fibrosis. Last evaluated: 2004-03-03. Review status: practice guideline. Criteria: Guideline for cystic fibrosis carrier screening. Collection method: curation. Allele origin: germline. Inheritance: Autosomal recessive inheritance. Study: The ACMG recommended carrier screening panel.
ClinVar note: Converted during submission from pathogenic to Pathogenic.

CFTR2
Classification: Pathogenic for Cystic fibrosis. Last evaluated: 2017-03-17. Review status: reviewed by expert panel. Criteria: Sosnay PR et al. (Nat Genet 2013). Collection method: research. Allele origin: germline. Affected: yes. Study: CFTR2. Not counted in ClinVar's aggregate classification.

Institute of Human Genetics, University of Leipzig Medical Center
Classification: Pathogenic for Cystic fibrosis. Last evaluated: 2026-08-24. Review status: criteria provided, single submitter. Criteria: ACMG Guidelines, 2015. Collection method: clinical testing. Allele origin: unknown. Inheritance: Autosomal recessive inheritance. Affected: yes. Not counted in ClinVar's aggregate classification.
Comment: Criteria applied: PVS1 (RNA),PM3_VSTR,PP4; Identified as compund heterozygous with NM_000492.4:c.3909C>G

Ambry Genetics
Classification: Pathogenic for Cystic fibrosis. Last evaluated: 2026-03-12. Review status: criteria provided, single submitter. Criteria: Ambry Variant Classification Scheme 2023. Collection method: clinical testing. Allele origin: germline. Not counted in ClinVar's aggregate classification.
Comment: The c.3846G>A (p.W1282*) alteration, located in exon 23 (coding exon 23) of the CFTR gene, consists of a G to A substitution at nucleotide position 3846. This changes the amino acid from a tryptophan (W) to a stop codon at amino acid position 1282. This variant is expected to result in loss of function by premature protein truncation or nonsense-mediated mRNA decay. Based on data from gnomAD, the A allele has an overall frequency of 0.043% (121/282282) total alleles studied. The highest observed frequency was 0.965% (100/10360) of Ashkenazi Jewish alleles. This alteration was originally reported in two individuals diagnosed with cystic fibrosis, one with p.F508del as the second alteration and the other with an unknown second alteration (Vidaud, 1990). This alteration is also associated with pancreatic insufficiency, elevated sweat chloride levels, and higher rate of Pseudomonas infection (Sosnay, 2013). Of note, this alteration is also known as 3978G>A in published literature. Based on the available evidence, this alteration is classified as pathogenic.

PreventionGenetics, part of Exact Sciences
Classification: Pathogenic for CFTR-related condition. Last evaluated: 2026-03-11. Review status: criteria provided, single submitter. Criteria: ACMG Guidelines, 2015. Collection method: clinical testing. Allele origin: germline. Not counted in ClinVar's aggregate classification.
Comment: The CFTR c.3846G>A variant is predicted to result in premature protein termination (p.Trp1282*). This variant has been reported to be causative for cystic fibrosis in several individuals (see for example, Grody et al. 2001. PubMed ID: 11280952; Sosnay et al. 2013. PubMed ID: 23974870). This variant is reported in 0.97% of alleles in individuals of Ashkenazi Jewish descent in gnomAD. Nonsense variants in CFTR are expected to be pathogenic. This variant is interpreted as pathogenic.

Labcorp Genetics (formerly Invitae), Labcorp
Classification: Pathogenic for Cystic fibrosis. Last evaluated: 2026-01-28. Review status: criteria provided, single submitter. Criteria: Invitae Variant Classification Sherloc (09022015). Collection method: clinical testing. Allele origin: germline. Not counted in ClinVar's aggregate classification.
Comment: This sequence change creates a premature translational stop signal (p.Trp1282*) in the CFTR gene. It is expected to result in an absent or disrupted protein product. Loss-of-function variants in CFTR are known to be pathogenic (PMID: 1695717, 7691345, 9725922). This variant is present in population databases (rs77010898, gnomAD 0.9%). This premature translational stop signal has been observed in individual(s) with cystic fibrosis (CF). It is included in the American College of Medical Genetics (ACMG) panel of CF variants. It is one of the most common causes of cystic fibrosis. (PMID: 2475911, 15371902, 23974870). In at least one individual the data is consistent with being in trans (on the opposite chromosome) from a pathogenic variant. It is commonly reported in individuals of Ashkenazi Jewish ancestry (PMID: 2475911, 15371902, 23974870). This variant is also known as W1282X. ClinVar contains an entry for this variant (Variation ID: 7129). For these reasons, this variant has been classified as Pathogenic.

CeGaT Center for Human Genetics Tuebingen
Classification: Pathogenic. Last evaluated: 2026-01-01. Review status: criteria provided, single submitter. Criteria: CeGaT Center For Human Genetics Tuebingen Variant Classification Criteria Version 2. Collection method: clinical testing. Allele origin: germline. Affected: yes. Observed: 2 variant alleles. Not counted in ClinVar's aggregate classification.
Comment: CFTR: PM3:Very Strong, PVS1, PM2:Supporting

3billion
Classification: Pathogenic for Cystic fibrosis. Last evaluated: 2025-12-16. Review status: criteria provided, single submitter. Criteria: ACMG Guidelines, 2015. Collection method: clinical testing. Allele origin: germline. Affected: yes. Not counted in ClinVar's aggregate classification.
Comment: The variant is observed at an extremely low frequency in the gnomAD v4.1.0 dataset (total allele frequency: 0.026%). Predicted Consequence/Location: Stop-gained (nonsense): predicted to result in a loss or disruption of normal protein function through nonsense-mediated decay (NMD) or protein truncation. Multiple pathogenic variants are reported downstream of the variant. The variant has been reported multiple times as an established pathogenic variant (ClinVar ID: VCV000007129 /PMID: 2236053). Therefore, this variant is classified as Pathogenic according to the recommendation of ACMG/AMP guideline.

Natera, Inc.
Classification: Pathogenic for CFTR-related disorders. Last evaluated: 2025-11-03. Review status: criteria provided, single submitter. Criteria: Natera Variant Classification Schema (03/2026). Collection method: clinical testing. Allele origin: germline. Not counted in ClinVar's aggregate classification.
Comment: The c.3846G>A variant in CFTR is a nonsense variant predicted to introduce a stop codon at amino acid 1282. This variant is expected to result in nonsense mediated decay, truncation, or a dysfunctional protein product. The frequency of this variant in the general population is greater than expected for disorder. This variant has been observed in one or more individuals affected with the associated recessive disease, as either homozygous or compound heterozygous with a second variant (PMID: 10923036, 32843167). Additionally, this variant has been observed to segregate in affected family members (PMID: 32843167). Given the available evidence, this variant is classified as Pathogenic.

NHS Central & South Genomic Laboratory Hub
Classification: Pathogenic for Cystic fibrosis diagnostic test. Last evaluated: 2025-10-21. Review status: criteria provided, single submitter. Criteria: ACMG Guidelines, 2015. Collection method: clinical testing. Allele origin: germline. Affected: yes. Not counted in ClinVar's aggregate classification.

Quest Diagnostics Nichols Institute San Juan Capistrano
Classification: Pathogenic. Last evaluated: 2025-07-25. Review status: criteria provided, single submitter. Criteria: Quest Diagnostics criteria. Collection method: clinical testing. Allele origin: unknown. Not counted in ClinVar's aggregate classification.
Comment: The CFTR c.3846G>A (p.Trp1282*, or W1282X) variant causes the premature termination of CFTR protein synthesis. In the published literature, this variant is associated with severe pancreatic insufficient CF, classic CF, and is the most prevalent CF pathogenic variant in the Ashkenazi Jewish population (PMIDs: 29298718 (2018), 23951356 (2013), 21416780 2010), 1370365 (1992)). Based on the available information, this variant is classified as pathogenic.

First Genomix Gene Laboratory, Genetic Diagnostics Department
Classification: Pathogenic for Congenital bilateral aplasia of vas deferens from CFTR mutation; Cystic fibrosis. Last evaluated: 2025-06-04. Review status: criteria provided, single submitter. Criteria: ACMG Guidelines, 2015. Collection method: clinical testing. Allele origin: germline. Inheritance: Autosomal recessive inheritance. Affected: no. Observed: 1 variant allele. Not counted in ClinVar's aggregate classification.

NM_000492.4(CFTR):c.3846G>A (p.Trp1282Ter)

Genes: CFTR (CF transmembrane conductance regulator; plus strand), CFTR-AS2 (CFTR antisense RNA 2; minus strand). Cytogenetic location: 7q31.2.
Variant type: single nucleotide variant.
Coding change: c.3846G>A on transcript NM_000492.4 (MANE Select); coding-DNA position 3846, G replaced by A.
Protein change: p.Trp1282Ter; replaces tryptophan 1282 with a stop codon.
Molecular consequence: nonsense.
Genome position (GRCh38, 1-based): chr7:117,642,566, G>A. VCF-style: chr7-117642566-G-A. GRCh37 (hg19) VCF-style: chr7-117282620-G-A.
Other names: short protein forms W1282*.
Identifiers: ClinVar variation 7129 (VCV000007129.175), dbSNP rs77010898, ClinGen allele CA340638.